The following is an entry in ClinVar:

ClinVar aggregate classification (germline): Uncertain significance (1 of 4 stars; one submission).

Submission:

Labcorp Genetics (formerly Invitae), Labcorp
Classification: Uncertain significance. Last evaluated: 2022-04-16. Review status: criteria provided, single submitter. Criteria: Invitae Variant Classification Sherloc (09022015). Collection method: clinical testing. Allele origin: germline.
Comment: In summary, the available evidence is currently insufficient to determine the role of this variant in disease. Therefore, it has been classified as a Variant of Uncertain Significance. Algorithms developed to predict the effect of missense changes on protein structure and function (SIFT, PolyPhen-2, Align-GVGD) all suggest that this variant is likely to be disruptive. This variant has not been reported in the literature in individuals affected with POLR3B-related conditions. This variant is not present in population databases (gnomAD no frequency). This sequence change replaces asparagine, which is neutral and polar, with threonine, which is neutral and polar, at codon 738 of the POLR3B protein (p.Asn738Thr).

NM_018082.6(POLR3B):c.2213A>C (p.Asn738Thr)

Gene: POLR3B (RNA polymerase III subunit B; plus strand). Cytogenetic location: 12q23.3.
Variant type: single nucleotide variant.
Coding change: c.2213A>C on transcript NM_018082.6 (MANE Select); coding-DNA position 2213, A replaced by C.
Protein change: p.Asn738Thr; replaces asparagine 738 with threonine.
Molecular consequence: missense variant.
Genome position (GRCh38, 1-based): chr12:106,454,631, A>C. VCF-style: chr12-106454631-A-C. GRCh37 (hg19) VCF-style: chr12-106848409-A-C.
Other names: c.2039A>C, p.Asn680Thr (NM_001160708.2); short protein forms N680T, N738T.
Identifiers: ClinVar variation 1897809 (VCV001897809.5), dbSNP rs2542158330, ClinGen allele CA386387665.
Genomic context (GRCh38, chr12:106,454,631, plus strand): 5'-CCATGGTTAAGACAAAAACCATTGAATTGATAGAATTTGAGAAACTGCCAGCTGGACAGA[A>C]TGCAACAGTTGCTGTGATGAGCTATAGTGGCTATGATATTGAAGATGCTCTTGTTTTAAA-3'
Protein context (NP_060552.4, residues 728-748): IEFEKLPAGQ[Asn738Thr]ATVAVMSYSG